The following is an entry in ClinVar:

NM_001379286.1(ZNF423):c.1060C>T (p.Arg354Trp)

Gene: ZNF423 (zinc finger protein 423; minus strand). Cytogenetic location: 16q12.1.
Variant type: single nucleotide variant.
Coding change: c.1060C>T on transcript NM_001379286.1 (MANE Select); coding-DNA position 1060, C replaced by T.
Protein change: p.Arg354Trp; replaces arginine 354 with tryptophan.
Molecular consequence: missense variant.
Genome position (GRCh38, 1-based): chr16:49,638,116, G>A on the plus strand (C>T on the coding strand, the complement: ZNF423 is on the minus strand). VCF-style: chr16-49638116-G-A. GRCh37 (hg19) VCF-style: chr16-49672027-G-A.
Other names: c.856C>T, p.Arg286Trp (NM_001271620.2); c.685C>T, p.Arg229Trp (NM_001330533.2); c.1036C>T, p.Arg346Trp (NM_015069.5); c.1036C>T (NM_015069.2); short protein forms R229W, R286W, R346W, R354W.
Identifiers: ClinVar variation 862588 (VCV000862588.10), dbSNP rs200831034, ClinGen allele CA8046767.

ClinVar aggregate classification (germline): Uncertain significance. Review status: criteria provided, multiple submitters, no conflicts (2 of 4 stars). 3 submissions from 3 submitters: Uncertain significance (3). Last evaluated 2025-06-12.

Conditions:
Nephronophthisis 14 (NPHP14). Identifiers: Orphanet 2318, MedGen C3539071, MONDO:0013916, OMIM 614844.

Allele frequency attached by ClinVar (database versions not stated): gnomAD 0.00002; gnomAD exomes 0.00002 and 0.00006; TOPMed 0.00006; ESP Exome Variant Server 0.00008; ExAC 0.00009.
gnomAD v4.1: 36 of 1,613,014 alleles (0.0022%); highest among the groups gnomAD compares: Admixed American, 0.017%; no homozygotes.

Submissions (3):

Labcorp Genetics (formerly Invitae), Labcorp
Classification: Uncertain significance for Nephronophthisis 14. Last evaluated: 2025-06-12. Review status: criteria provided, single submitter. Criteria: Invitae Variant Classification Sherloc (09022015). Collection method: clinical testing. Allele origin: germline.
Comment: This sequence change replaces arginine, which is basic and polar, with tryptophan, which is neutral and slightly polar, at codon 346 of the ZNF423 protein (p.Arg346Trp). This variant is present in population databases (rs200831034, gnomAD 0.02%). This variant has not been reported in the literature in individuals affected with ZNF423-related conditions. ClinVar contains an entry for this variant (Variation ID: 862588). Invitae Evidence Modeling of protein sequence and biophysical properties (such as structural, functional, and spatial information, amino acid conservation, physicochemical variation, residue mobility, and thermodynamic stability) indicates that this missense variant is not expected to disrupt ZNF423 protein function with a negative predictive value of 80%. In summary, the available evidence is currently insufficient to determine the role of this variant in disease. Therefore, it has been classified as a Variant of Uncertain Significance.

Ambry Genetics
Classification: Uncertain significance. Last evaluated: 2021-06-22. Review status: criteria provided, single submitter. Criteria: Ambry Variant Classification Scheme 2023. Collection method: clinical testing. Allele origin: germline.

Breakthrough Genomics
Classification: Uncertain significance. Review status: criteria provided, single submitter. Criteria: ACMG Guidelines, 2015. Collection method: not provided. Allele origin: germline. Inheritance: Autosomal recessive inheritance. Affected: yes.